The following is an entry in ClinVar:

ClinVar aggregate classification (germline): Uncertain significance (1 of 4 stars; one submission).

Allele frequency attached by ClinVar (database versions not stated): gnomAD exomes below 0.00001; ExAC 0.00001; gnomAD 0.00001; TOPMed 0.00001.
gnomAD v4.1: 4 of 1,613,854 alleles (0.00025%); highest among the groups gnomAD compares: Non-Finnish European, 0.00034%; no homozygotes.

Submission:

Labcorp Genetics (formerly Invitae), Labcorp
Classification: Uncertain significance. Last evaluated: 2025-02-25. Review status: criteria provided, single submitter. Criteria: Invitae Variant Classification Sherloc (09022015). Collection method: clinical testing. Allele origin: germline.
Comment: This sequence change replaces lysine, which is basic and polar, with methionine, which is neutral and non-polar, at codon 55 of the ZNF408 protein (p.Lys55Met). This variant is present in population databases (rs768984840, gnomAD 0.002%). This variant has not been reported in the literature in individuals affected with ZNF408-related conditions. ClinVar contains an entry for this variant (Variation ID: 1498309). An algorithm developed to predict the effect of missense changes on protein structure and function (PolyPhen-2) suggests that this variant is likely to be disruptive. In summary, the available evidence is currently insufficient to determine the role of this variant in disease. Therefore, it has been classified as a Variant of Uncertain Significance.

NM_024741.3(ZNF408):c.164A>T (p.Lys55Met)

Gene: ZNF408 (zinc finger protein 408; plus strand). Cytogenetic location: 11p11.2.
Variant type: single nucleotide variant.
Coding change: c.164A>T on transcript NM_024741.3 (MANE Select); coding-DNA position 164, A replaced by T.
Protein change: p.Lys55Met; replaces lysine 55 with methionine.
Molecular consequence: missense variant.
Genome position (GRCh38, 1-based): chr11:46,701,510, A>T. VCF-style: chr11-46701510-A-T. GRCh37 (hg19) VCF-style: chr11-46723060-A-T.
Other names: c.140A>T, p.Lys47Met (NM_001184751.2); short protein forms K47M, K55M.
Identifiers: ClinVar variation 1498309 (VCV001498309.8), dbSNP rs768984840, ClinGen allele CA5966254.